The following is an entry in ClinVar:

ClinVar aggregate classification (germline): Uncertain significance (1 of 4 stars; one submission).

Allele frequency attached by ClinVar (database versions not stated): gnomAD exomes below 0.00001; TOPMed below 0.00001; gnomAD 0.00001.
gnomAD v4.1: 3 of 1,614,052 alleles (0.00019%); highest among the groups gnomAD compares: African/African-American, 0.0013%; no homozygotes.

Submission:

Ambry Genetics
Classification: Uncertain significance. Last evaluated: 2023-09-14. Review status: criteria provided, single submitter. Criteria: Ambry Variant Classification Scheme 2023. Collection method: clinical testing. Allele origin: germline.
Comment: The p.T435R variant (also known as c.1304C>G), located in coding exon 12 of the BUB1 gene, results from a C to G substitution at nucleotide position 1304. The threonine at codon 435 is replaced by arginine, an amino acid with similar properties. This amino acid position is conserved. In addition, this alteration is predicted to be tolerated by in silico analysis. Since supporting evidence is limited at this time, the clinical significance of this alteration remains unclear.

NM_004336.5(BUB1):c.1304C>G (p.Thr435Arg)

Gene: BUB1 (BUB1 mitotic checkpoint serine/threonine kinase; minus strand). Cytogenetic location: 2q13.
Variant type: single nucleotide variant.
Coding change: c.1304C>G on transcript NM_004336.5 (MANE Select); coding-DNA position 1304, C replaced by G.
Protein change: p.Thr435Arg; replaces threonine 435 with arginine.
Molecular consequence: missense variant.
Genome position (GRCh38, 1-based): chr2:110,658,715, G>C on the plus strand (C>G on the coding strand, the complement: BUB1 is on the minus strand). VCF-style: chr2-110658715-G-C. GRCh37 (hg19) VCF-style: chr2-111416292-G-C.
Other names: c.1244C>G, p.Thr415Arg (NM_001278616.2); c.1304C>G, p.Thr435Arg (NM_001278617.2); short protein forms T415R, T435R.
Identifiers: ClinVar variation 2586169 (VCV002586169.2), dbSNP rs1203646219, ClinGen allele CA348212759.
Genomic context (GRCh38, chr2:110,658,715, plus strand): 5'-TTGGATGGCGTTGCCTGAACCATTCCCAGTGATGTGTTTGGAGTTGTGTGAAAAGAACTT[G>C]TGTTGGCAACCTTATGTGTTTCACACCCTAGCAAAGAAATGGAGACAAAATGTGGTATCA-3'
Protein context (NP_004327.1, residues 425-445): EGCETHKVAN[Thr435Arg]SSFHTTPNTS